The following is an entry in ClinVar:

ClinVar aggregate classification (germline): Uncertain significance (1 of 4 stars; one submission).

Conditions:
Arrhythmogenic cardiomyopathy with wooly hair and keratoderma. Also called: Dilated cardiomyopathy with woolly hair and keratoderma; Carvajal syndrome; PALMOPLANTAR KERATODERMA WITH LEFT VENTRICULAR CARDIOMYOPATHY AND WOOLLY HAIR; Arrhythmogenic cardiomyopathy with woolly hair and keratoderma. Identifiers: Orphanet 65282, MedGen C1854063, MONDO:0011581, OMIM 605676.

Submission:

Baylor Genetics
Classification: Uncertain significance for Arrhythmogenic cardiomyopathy with wooly hair and keratoderma. Last evaluated: 2018-11-23. Review status: criteria provided, single submitter. Criteria: ACMG Guidelines, 2015. Collection method: clinical testing. Allele origin: maternal. Affected: yes.
Comment: This variant was determined to be of uncertain significance according to ACMG Guidelines, 2015 [PMID:25741868].

NM_004415.4(DSP):c.7460T>C (p.Leu2487Pro)

Gene: DSP (desmoplakin; plus strand). Cytogenetic location: 6p24.3.
Variant type: single nucleotide variant.
Coding change: c.7460T>C on transcript NM_004415.4 (MANE Select); coding-DNA position 7460, T replaced by C.
Protein change: p.Leu2487Pro; replaces leucine 2487 with proline.
Molecular consequence: missense variant.
Genome position (GRCh38, 1-based): chr6:7,584,722, T>C. VCF-style: chr6-7584722-T-C. GRCh37 (hg19) VCF-style: chr6-7584955-T-C.
Other names: c.5663T>C, p.Leu1888Pro (NM_001008844.3); c.6131T>C, p.Leu2044Pro (NM_001319034.2); short protein forms L2487P, L1888P, L2044P.
Identifiers: ClinVar variation 1034084 (VCV001034084.1), dbSNP rs1759571794, ClinGen allele CA362693058.